The following is an entry in ClinVar:

NM_020184.4(CNNM4):c.2074_2076del (p.Gly692del)

Gene: CNNM4 (cyclin and CBS domain divalent metal cation transport mediator 4; plus strand). Cytogenetic location: 2q11.2.
Variant type: Deletion.
Coding change: c.2074_2076del on transcript NM_020184.4 (MANE Select); coding-DNA positions 2074 to 2076, 3 bases deleted (GGC; older notation c.2074_2076delGGC).
Protein change: p.Gly692del; deletes glycine 692.
Molecular consequence: inframe deletion.
Genome position (GRCh38, 1-based): chr2:96,808,686-96,808,688, GGC deleted. VCF-style (leftmost placement, unchanged base first): chr2-96808685-GGGC-G. GRCh37 (hg19) VCF-style: chr2-97474422-GGGC-G.
Other names: short protein forms G692del.
Identifiers: ClinVar variation 1405072 (VCV001405072.6), dbSNP rs2153351676, ClinGen allele CA2573135990.

ClinVar aggregate classification (germline): Uncertain significance (1 of 4 stars; one submission).

Submission:

Labcorp Genetics (formerly Invitae), Labcorp
Classification: Uncertain significance. Last evaluated: 2021-09-21. Review status: criteria provided, single submitter. Criteria: Invitae Variant Classification Sherloc (09022015). Collection method: clinical testing. Allele origin: germline.
Comment: This variant, c.2074_2076del, results in the deletion of 1 amino acid(s) of the CNNM4 protein (p.Gly692del), but otherwise preserves the integrity of the reading frame. This variant is not present in population databases (ExAC no frequency). This variant has not been reported in the literature in individuals affected with CNNM4-related conditions. Experimental studies and prediction algorithms are not available or were not evaluated, and the functional significance of this variant is currently unknown. Algorithms developed to predict the effect of sequence changes on RNA splicing suggest that this variant may create or strengthen a splice site. In summary, the available evidence is currently insufficient to determine the role of this variant in disease. Therefore, it has been classified as a Variant of Uncertain Significance.